The following is an entry in ClinVar:

ClinVar aggregate classification (germline): Pathogenic (1 of 4 stars; one submission).

Submission:

Labcorp Genetics (formerly Invitae), Labcorp
Classification: Pathogenic. Last evaluated: 2017-04-08. Review status: criteria provided, single submitter. Criteria: Invitae Variant Classification Sherloc (09022015). Collection method: clinical testing. Allele origin: germline.
Comment: This sequence change creates a premature translational stop signal (p.Glu119*) in the CDHR1 gene. It is expected to result in an absent or disrupted protein product. This variant is not present in population databases (ExAC no frequency). This variant has not been reported in the literature in individuals with a CDHR1-related disease. Loss-of-function variants in CDHR1 are known to be pathogenic (PMID: 23591405, 26103963, 20087419, 26261414, 23044944). For these reasons, this variant has been classified as Pathogenic.

Literature cited by the submitters: PubMed 23591405; PubMed 26103963; PubMed 20087419; PubMed 26261414; PubMed 23044944.

NM_033100.4(CDHR1):c.355G>T (p.Glu119Ter)

Gene: CDHR1 (cadherin related family member 1; plus strand). Cytogenetic location: 10q23.1.
Variant type: single nucleotide variant.
Coding change: c.355G>T on transcript NM_033100.4 (MANE Select); coding-DNA position 355, G replaced by T.
Protein change: p.Glu119Ter; replaces glutamic acid 119 with a stop codon.
Molecular consequence: nonsense.
Genome position (GRCh38, 1-based): chr10:84,199,038, G>T. VCF-style: chr10-84199038-G-T. GRCh37 (hg19) VCF-style: chr10-85958794-G-T.
Other names: c.355G>T, p.Glu119Ter (NM_001171971.3); short protein forms E119*.
Identifiers: ClinVar variation 1068893 (VCV001068893.7), dbSNP rs531420059, ClinGen allele CA377370952.